The following is an entry in ClinVar:

NM_007046.4(EMILIN1):c.214C>G (p.Leu72Val)

Gene: EMILIN1 (elastin microfibril interfacer 1; plus strand). Cytogenetic location: 2p23.3.
Variant type: single nucleotide variant.
Coding change: c.214C>G on transcript NM_007046.4 (MANE Select); coding-DNA position 214, C replaced by G.
Protein change: p.Leu72Val; replaces leucine 72 with valine.
Molecular consequence: missense variant.
Genome position (GRCh38, 1-based): chr2:27,080,194, C>G. VCF-style: chr2-27080194-C-G. GRCh37 (hg19) VCF-style: chr2-27303062-C-G.
Other names: short protein forms L72V.
Identifiers: ClinVar variation 3057164 (VCV003057164.2), dbSNP rs75246647, ClinGen allele CA1568433.

ClinVar aggregate classification (germline): Benign (0 of 4 stars; one submission).

Conditions:
EMILIN1-related disorder. Also called: EMILIN1-related condition.

Allele frequency attached by ClinVar (database versions not stated): ExAC 0.00320; 1000 Genomes Project 0.00919; gnomAD 0.00933; 1000 Genomes Project 30x 0.00937; TOPMed 0.01085; ESP Exome Variant Server 0.01161.

Submission:

PreventionGenetics, part of Exact Sciences
Classification: Benign for EMILIN1-related condition. Last evaluated: 2020-01-07. Review status: no assertion criteria provided. Collection method: clinical testing. Allele origin: germline.
Comment: This variant is classified as benign based on ACMG/AMP sequence variant interpretation guidelines (Richards et al. 2015 PMID: 25741868, with internal and published modifications).